The following is an entry in ClinVar:

NM_005732.4(RAD50):c.1245+4A>G

Gene: RAD50 (RAD50 double strand break repair protein; plus strand). Cytogenetic location: 5q31.1.
Variant type: single nucleotide variant.
Coding change: c.1245+4A>G on transcript NM_005732.4 (MANE Select); 4 bases into the intron after coding-DNA position 1245, A replaced by G.
Molecular consequence: intron variant.
Genome position (GRCh38, 1-based): chr5:132,588,884, A>G. VCF-style: chr5-132588884-A-G. GRCh37 (hg19) VCF-style: chr5-131924576-A-G.
Identifiers: ClinVar variation 457368 (VCV000457368.7), dbSNP rs1487138360, ClinGen allele CA563057504.

ClinVar aggregate classification (germline): Uncertain significance (1 of 4 stars; one submission).

Conditions:
Hereditary cancer-predisposing syndrome. Also called: Neoplastic Syndromes, Hereditary; Tumor predisposition; Hereditary Cancer Syndrome; Hereditary neoplastic syndrome. Identifiers: Orphanet 140162, MedGen C0027672, MeSH D009386, MONDO:0015356.

Allele frequency attached by ClinVar (database versions not stated): gnomAD exomes below 0.00001.
gnomAD v4.1: 4 of 1,604,664 alleles (0.00025%); highest among the groups gnomAD compares: Non-Finnish European, 0.00017%; no homozygotes.

Submission:

Labcorp Genetics (formerly Invitae), Labcorp
Classification: Uncertain significance for Hereditary cancer-predisposing syndrome. Last evaluated: 2023-07-06. Review status: criteria provided, single submitter. Criteria: Invitae Variant Classification Sherloc (09022015). Collection method: clinical testing. Allele origin: germline.
Comment: This sequence change falls in intron 8 of the RAD50 gene. It does not directly change the encoded amino acid sequence of the RAD50 protein. It affects a nucleotide within the consensus splice site. This variant is present in population databases (no rsID available, gnomAD 0.0009%). This variant has not been reported in the literature in individuals affected with RAD50-related conditions. ClinVar contains an entry for this variant (Variation ID: 457368). Variants that disrupt the consensus splice site are a relatively common cause of aberrant splicing (PMID: 17576681, 9536098). Algorithms developed to predict the effect of sequence changes on RNA splicing suggest that this variant may disrupt the consensus splice site. In summary, the available evidence is currently insufficient to determine the role of this variant in disease. Therefore, it has been classified as a Variant of Uncertain Significance.

Literature cited by the submitters: PubMed 17576681; PubMed 9536098.